The following is an entry in ClinVar:

NM_080680.3(COL11A2):c.1817C>T (p.Ser606Leu)

Gene: COL11A2 (collagen type XI alpha 2 chain; minus strand). Cytogenetic location: 6p21.32.
Variant type: single nucleotide variant.
Coding change: c.1817C>T on transcript NM_080680.3 (MANE Select); coding-DNA position 1817, C replaced by T.
Protein change: p.Ser606Leu; replaces serine 606 with leucine.
Molecular consequence: missense variant.
Genome position (GRCh38, 1-based): chr6:33,178,309, G>A on the plus strand (C>T on the coding strand, the complement: COL11A2 is on the minus strand). VCF-style: chr6-33178309-G-A. GRCh37 (hg19) VCF-style: chr6-33146086-G-A.
Other names: c.1496C>T, p.Ser499Leu (NM_080679.3); c.1559C>T, p.Ser520Leu (NM_080681.3); short protein forms S606L, S499L, S520L.
Identifiers: ClinVar variation 547217 (VCV000547217.10), dbSNP rs147328015, ClinGen allele CA3751198.
Genomic context (GRCh38, chr6:33,178,309, plus strand): 5'-TGTCCCCCTCCTGGCTTCCCCAGAGCCCCCTCCCCCAGCACCAGCCCTTGGACACTCACC[G>A]ACTCTCCAGGCAGCCCTCGAGGCCCAATCTCCCCGTCATCTCCCTGGAGGAGGAGGACAC-3'
Protein context (NP_542411.2, residues 596-616): EIGPRGLPGE[Ser606Leu]GPRGLLGPKG

ClinVar aggregate classification (germline): Conflicting classifications of pathogenicity. Review status: criteria provided, conflicting classifications (1 of 4 stars). 4 submissions from 4 submitters: Uncertain significance (3); Likely benign (1). Last evaluated 2026-06-09.

Conditions:
COL11A2-related disorder. Also called: COL11A2-related disorders; COL11A2-related condition.
Connective tissue disorder. Also called: Connective tissue disease. Identifiers: MedGen C0009782, MONDO:0003900.

Allele frequency attached by ClinVar (database versions not stated): TOPMed 0.00005; gnomAD 0.00010; ESP Exome Variant Server 0.00012; 1000 Genomes Project 30x 0.00031.
gnomAD v4.1: 50 of 1,612,512 alleles (0.0031%); highest among the groups gnomAD compares: African/African-American, 0.019%; no homozygotes.

Submissions (4):

GeneDx
Classification: Uncertain significance. Last evaluated: 2026-06-09. Review status: criteria provided, single submitter. Criteria: GeneDx Variant Classification Process June 2021. Collection method: clinical testing. Allele origin: germline.
Comment: In silico analysis supports that this missense variant has a deleterious effect on protein structure/function; Has not been previously published as pathogenic or benign to our knowledge

PreventionGenetics, part of Exact Sciences
Classification: Uncertain significance for COL11A2-related condition. Last evaluated: 2025-10-31. Review status: criteria provided, single submitter. Criteria: ACMG Guidelines, 2015. Collection method: clinical testing. Allele origin: germline.
Comment: The COL11A2 c.1817C>T variant is predicted to result in the amino acid substitution p.Ser606Leu. To our knowledge, this variant has not been reported in the literature. This variant is reported in 0.017% of alleles in individuals of African descent in gnomAD. At this time, the clinical significance of this variant is uncertain due to the absence of conclusive functional and genetic evidence.

Labcorp Genetics (formerly Invitae), Labcorp
Classification: Uncertain significance. Last evaluated: 2025-01-03. Review status: criteria provided, single submitter. Criteria: Invitae Variant Classification Sherloc (09022015). Collection method: clinical testing. Allele origin: germline.
Comment: This sequence change replaces serine, which is neutral and polar, with leucine, which is neutral and non-polar, at codon 606 of the COL11A2 protein (p.Ser606Leu). This variant is present in population databases (rs147328015, gnomAD 0.02%). This variant has not been reported in the literature in individuals affected with COL11A2-related conditions. ClinVar contains an entry for this variant (Variation ID: 547217). An algorithm developed to predict the effect of missense changes on protein structure and function (PolyPhen-2) suggests that this variant is likely to be disruptive. In summary, the available evidence is currently insufficient to determine the role of this variant in disease. Therefore, it has been classified as a Variant of Uncertain Significance.

Center for Human Genetics, Inc
Classification: Likely benign for Connective tissue disorder. Last evaluated: 2016-11-01. Review status: criteria provided, single submitter. Criteria: ACMG Guidelines, 2015. Collection method: clinical testing. Allele origin: germline. Affected: yes.